The following is an entry in ClinVar:

NM_001369.3(DNAH5):c.11234A>G (p.His3745Arg)

Genes: DNAH5 (dynein axonemal heavy chain 5; minus strand), LOC107457585 (meiotic recombination hotspot J; plus strand). Cytogenetic location: 5p15.2.
Variant type: single nucleotide variant.
Coding change: c.11234A>G on transcript NM_001369.3 (MANE Select); coding-DNA position 11234, A replaced by G.
Protein change: p.His3745Arg; replaces histidine 3745 with arginine.
Molecular consequence: missense variant.
Genome position (GRCh38, 1-based): chr5:13,737,473, T>C on the plus strand (A>G on the coding strand, the complement: DNAH5 is on the minus strand). VCF-style: chr5-13737473-T-C. GRCh37 (hg19) VCF-style: chr5-13737582-T-C.
Other names: short protein forms H3745R.
Identifiers: ClinVar variation 198359 (VCV000198359.15), dbSNP rs36088710, ClinGen allele CA246962.

ClinVar aggregate classification (germline): Conflicting classifications of pathogenicity. Review status: criteria provided, conflicting classifications (1 of 4 stars). 3 submissions from 3 submitters: Uncertain significance (2); Likely benign (1). Last evaluated 2025-08-29.

Conditions:
Primary ciliary dyskinesia. Also called: Ciliary dyskinesia. Identifiers: Orphanet 244, MedGen C0008780, MONDO:0016575, HP:0012265.

Allele frequency attached by ClinVar (database versions not stated): gnomAD exomes 0.00002 and 0.00007; ExAC 0.00009; gnomAD 0.00025 and 0.00026; 1000 Genomes Project 30x 0.00062; TOPMed 0.00030; ESP Exome Variant Server 0.00054; 1000 Genomes Project 0.00060.
gnomAD v4.1: 70 of 1,614,064 alleles (0.0043%); highest among the groups gnomAD compares: African/African-American, 0.091%; no homozygotes.

Submissions (3):

Labcorp Genetics (formerly Invitae), Labcorp
Classification: Likely benign for Primary ciliary dyskinesia. Last evaluated: 2025-08-29. Review status: criteria provided, single submitter. Criteria: Invitae Variant Classification Sherloc (09022015). Collection method: clinical testing. Allele origin: germline.

Ambry Genetics
Classification: Uncertain significance for Primary ciliary dyskinesia. Last evaluated: 2021-03-24. Review status: criteria provided, single submitter. Criteria: Ambry Variant Classification Scheme 2023. Collection method: clinical testing. Allele origin: germline.
Comment: The p.H3745R variant (also known as c.11234A>G), located in coding exon 66 of the DNAH5 gene, results from an A to G substitution at nucleotide position 11234. The histidine at codon 3745 is replaced by arginine, an amino acid with highly similar properties. This amino acid position is poorly conserved in available vertebrate species. In addition, this alteration is predicted to be tolerated by in silico analysis. Since supporting evidence is limited at this time, the clinical significance of this alteration remains unclear.

Eurofins Ntd Llc (ga)
Classification: Uncertain significance. Last evaluated: 2014-06-06. Review status: criteria provided, single submitter. Criteria: EGL Classification Definitions 2015. Collection method: clinical testing. Allele origin: germline. Observed: 1 variant allele, 1 heterozygote.